The following is an entry in ClinVar:

ClinVar aggregate classification (germline): Uncertain significance. Review status: criteria provided, multiple submitters, no conflicts (2 of 4 stars). 2 submissions from 2 submitters: Uncertain significance (2). Last evaluated 2024-11-15.

Allele frequency attached by ClinVar (database versions not stated): TOPMed below 0.00001; ExAC 0.00001; gnomAD 0.00001.
gnomAD v4.1: 1 of 1,209,188 alleles (0.000083%); highest among the groups gnomAD compares: Non-Finnish European, 0.00011%; no homozygotes.

Submissions (2):

Blueprint Genetics
Classification: Uncertain significance. Last evaluated: 2024-11-15. Review status: criteria provided, single submitter. Criteria: ACMG Guidelines, 2015. Collection method: clinical testing. Allele origin: germline.

GeneDx
Classification: Uncertain significance. Last evaluated: 2022-03-28. Review status: criteria provided, single submitter. Criteria: GeneDx Variant Classification Process June 2021. Collection method: clinical testing. Allele origin: germline. Affected: yes.
Comment: Not observed at significant frequency in large population cohorts (gnomAD); In silico analysis supports that this missense variant has a deleterious effect on protein structure/function; Has not been previously published as pathogenic or benign to our knowledge

NM_004606.5(TAF1):c.731G>A (p.Arg244His)

Gene: TAF1 (TATA-box binding protein associated factor 1; plus strand). Cytogenetic location: Xq13.1.
Variant type: single nucleotide variant.
Coding change: c.731G>A on transcript NM_004606.5 (MANE Select); coding-DNA position 731, G replaced by A.
Protein change: p.Arg244His; replaces arginine 244 with histidine.
Molecular consequence: missense variant. On other transcripts: non-coding transcript variant (9).
Genome position (GRCh38, 1-based): chrX:71,377,619, G>A. VCF-style: chrX-71377619-G-A. GRCh37 (hg19) VCF-style: chrX-70597469-G-A.
Other names: c.731G>A, p.Arg244His (NM_001286074.2); c.668G>A, p.Arg223His (NM_138923.4); short protein forms R223H, R244H.
Identifiers: ClinVar variation 1707850 (VCV001707850.3), dbSNP rs765568995, ClinGen allele CA10446609.